The following is an entry in ClinVar:

NM_004369.4(COL6A3):c.5269G>C (p.Glu1757Gln)

Gene: COL6A3 (collagen type VI alpha 3 chain; minus strand). Cytogenetic location: 2q37.3.
Variant type: single nucleotide variant.
Coding change: c.5269G>C on transcript NM_004369.4 (MANE Select); coding-DNA position 5269, G replaced by C.
Protein change: p.Glu1757Gln; replaces glutamic acid 1757 with glutamine.
Molecular consequence: missense variant.
Genome position (GRCh38, 1-based): chr2:237,366,918, C>G on the plus strand (G>C on the coding strand, the complement: COL6A3 is on the minus strand). VCF-style: chr2-237366918-C-G. GRCh37 (hg19) VCF-style: chr2-238275561-C-G.
Other names: c.3448G>C, p.Glu1150Gln (NM_057166.5); c.4651G>C, p.Glu1551Gln (NM_057167.4); short protein forms E1551Q, E1757Q, E1150Q.
Identifiers: ClinVar variation 2868053 (VCV002868053.3), dbSNP rs1361060719, ClinGen allele CA351187834.

ClinVar aggregate classification (germline): Uncertain significance (1 of 4 stars; one submission).

Conditions:
Bethlem myopathy 1A. Also called: Bethlem myopathy 1; MYOPATHY, BENIGN CONGENITAL, WITH CONTRACTURES; Bethlem Muscular Dystrophy. Identifiers: Orphanet 610, MedGen CN029274, MONDO:0024530, OMIM 158810.

Submission:

Labcorp Genetics (formerly Invitae), Labcorp
Classification: Uncertain significance for Bethlem myopathy 1A. Last evaluated: 2022-11-08. Review status: criteria provided, single submitter. Criteria: Invitae Variant Classification Sherloc (09022015). Collection method: clinical testing. Allele origin: germline.
Comment: In summary, the available evidence is currently insufficient to determine the role of this variant in disease. Therefore, it has been classified as a Variant of Uncertain Significance. Advanced modeling of protein sequence and biophysical properties (such as structural, functional, and spatial information, amino acid conservation, physicochemical variation, residue mobility, and thermodynamic stability) performed at Invitae indicates that this missense variant is not expected to disrupt COL6A3 protein function. This variant has not been reported in the literature in individuals affected with COL6A3-related conditions. This variant is not present in population databases (gnomAD no frequency). This sequence change replaces glutamic acid, which is acidic and polar, with glutamine, which is neutral and polar, at codon 1757 of the COL6A3 protein (p.Glu1757Gln).